The following is an entry in ClinVar:

ClinVar aggregate classification (germline): Pathogenic/Likely pathogenic. Review status: criteria provided, multiple submitters, no conflicts (2 of 4 stars). 2 submissions from 2 submitters: Pathogenic (1); Likely pathogenic (1). Last evaluated 2025-09-10.

Conditions:
Mucolipidosis type II. Also called: Mucolipidosis II Alpha/Beta; ML II ALPHA/BETA; Mucolipidosis 2; ML 2; Inclusion cell disease; Leroy Disease. Identifiers: Orphanet 576, MedGen C2673377, MONDO:0009650, OMIM 252500.
Pseudo-Hurler polydystrophy. Also called: MUCOLIPIDOSIS IIIA; ML III; ML III ALPHA/BETA; Type III Mucolipidosis; ML IIIA; Mucolipidosis III Alpha/Beta. Identifiers: Orphanet 423461, Orphanet 577, MedGen C0033788, MONDO:0018931, OMIM 252600.

Submissions (2):

Natera, Inc.
Classification: Likely pathogenic for Mucolipidosis type II. Last evaluated: 2025-09-10. Review status: criteria provided, single submitter. Criteria: Natera Variant Classification Schema (03/2026). Collection method: clinical testing. Allele origin: germline.
Comment: The c.524dup variant in GNPTAB is a frameshift variant predicted to shift the reading frame beginning at codon 175 and leads to a stop codon 12 codons downstream. This variant is expected to result in nonsense mediated decay, truncation, or a dysfunctional protein product. This variant is rare in the general population with a frequency below the threshold expected for the associated phenotype(s). Given the available evidence, this variant is classified as Likely Pathogenic.

Labcorp Genetics (formerly Invitae), Labcorp
Classification: Pathogenic for Pseudo-Hurler polydystrophy; Mucolipidosis type II. Last evaluated: 2023-02-17. Review status: criteria provided, single submitter. Criteria: Invitae Variant Classification Sherloc (09022015). Collection method: clinical testing. Allele origin: germline.
Comment: This sequence change creates a premature translational stop signal (p.Asn175Lysfs*12) in the GNPTAB gene. It is expected to result in an absent or disrupted protein product. Loss-of-function variants in GNPTAB are known to be pathogenic (PMID: 19617216, 25107912). This variant is present in population databases (no rsID available, gnomAD 0.0009%). This variant has not been reported in the literature in individuals affected with GNPTAB-related conditions. For these reasons, this variant has been classified as Pathogenic.

Literature cited by the submitters: PubMed 19617216 (cited by Labcorp Genetics (formerly Invitae), Labcorp); PubMed 25107912 (cited by Labcorp Genetics (formerly Invitae), Labcorp).

NM_024312.5(GNPTAB):c.524dup (p.Asn175fs)

Gene: GNPTAB (N-acetylglucosamine-1-phosphate transferase subunits alpha and beta; minus strand). Cytogenetic location: 12q23.2.
Variant type: Duplication.
Coding change: c.524dup on transcript NM_024312.5 (MANE Select); coding-DNA position 524, one base duplicated (A; older notation c.524dupA).
Protein change: p.Asn175fs; shifts the reading frame from asparagine 175.
Molecular consequence: frameshift variant.
Genome position (GRCh38, 1-based): chr12:101,786,059, T duplicated on the plus strand (A on the coding strand, the reverse complement: GNPTAB is on the minus strand); the first of 6 consecutive T bases (chr12:101,786,059-101,786,064); duplicating any one gives the same sequence. VCF-style (leftmost placement, unchanged base first): chr12-101786058-G-GT. GRCh37 (hg19) VCF-style: chr12-102179836-G-GT.
Other names: c.524dup (NM_024312.4); short protein forms N175fs.
Identifiers: ClinVar variation 2091589 (VCV002091589.5), dbSNP rs1361160803, ClinGen allele CA607598039.